The following is an entry in ClinVar:

NM_138420.4(AHNAK2):c.5107A>G (p.Thr1703Ala)

Gene: AHNAK2 (AHNAK nucleoprotein 2; minus strand). Cytogenetic location: 14q32.33.
Variant type: single nucleotide variant.
Coding change: c.5107A>G on transcript NM_138420.4 (MANE Select); coding-DNA position 5107, A replaced by G.
Protein change: p.Thr1703Ala; replaces threonine 1703 with alanine.
Molecular consequence: missense variant.
Genome position (GRCh38, 1-based): chr14:104,950,344, T>C on the plus strand (A>G on the coding strand, the complement: AHNAK2 is on the minus strand). VCF-style: chr14-104950344-T-C. GRCh37 (hg19) VCF-style: chr14-105416681-T-C.
Other names: c.4807A>G, p.Thr1603Ala (NM_001350929.2); short protein forms T1603A, T1703A.
Identifiers: ClinVar variation 3239033 (VCV003239033.19), dbSNP rs186766140.

ClinVar aggregate classification (germline): Likely benign (1 of 4 stars; one submission).

Allele frequency attached by ClinVar (database versions not stated): ESP Exome Variant Server 0.00075; gnomAD exomes 0.00082; ExAC 0.00184; 1000 Genomes Project 0.00359; 1000 Genomes Project 30x 0.00562.

Submission:

CeGaT Center for Human Genetics Tuebingen
Classification: Likely benign. Last evaluated: 2026-06-01. Review status: criteria provided, single submitter. Criteria: CeGaT Center For Human Genetics Tuebingen Variant Classification Criteria Version 2. Collection method: clinical testing. Allele origin: germline. Affected: yes. Observed: 2 variant alleles.
Comment: AHNAK2: BP4